The following is an entry in ClinVar:

ClinVar aggregate classification (germline): Uncertain significance. Review status: criteria provided, multiple submitters, no conflicts (2 of 4 stars). 2 submissions from 2 submitters: Uncertain significance (2). Last evaluated 2025-11-07.

Conditions:
Cardiovascular phenotype. Identifiers: MedGen CN230736.

Submissions (2):

Ambry Genetics
Classification: Uncertain significance for Cardiovascular phenotype. Last evaluated: 2025-11-07. Review status: criteria provided, single submitter. Criteria: Ambry Variant Classification Scheme 2023. Collection method: clinical testing. Allele origin: germline.

GeneDx
Classification: Uncertain significance. Last evaluated: 2025-05-06. Review status: criteria provided, single submitter. Criteria: GeneDx Variant Classification Process June 2021. Collection method: clinical testing. Allele origin: germline. Affected: yes.
Comment: Not observed at significant frequency in large population cohorts (gnomAD); In silico analysis supports that this missense variant has a deleterious effect on protein structure/function; Has not been previously published as pathogenic or benign to our knowledge

NM_000384.3(APOB):c.8787G>C (p.Trp2929Cys)

Gene: APOB (apolipoprotein B; minus strand). Cytogenetic location: 2p24.1.
Variant type: single nucleotide variant.
Coding change: c.8787G>C on transcript NM_000384.3 (MANE Select); coding-DNA position 8787, G replaced by C.
Protein change: p.Trp2929Cys; replaces tryptophan 2929 with cysteine.
Molecular consequence: missense variant.
Genome position (GRCh38, 1-based): chr2:21,008,081, C>G on the plus strand (G>C on the coding strand, the complement: APOB is on the minus strand). VCF-style: chr2-21008081-C-G. GRCh37 (hg19) VCF-style: chr2-21230953-C-G.
Other names: short protein forms W2929C.
Identifiers: ClinVar variation 1764651 (VCV001764651.4), dbSNP rs1340673456, ClinGen allele CA345993372.
Genomic context (GRCh38, chr2:21,008,081, plus strand): 5'-GGTGAAACTAATTTGTGATTCATGTGTTCCCTCATCTGAGAATCTGGGGCAGGCCCATTT[C>G]CATGACCCTTTTCCAGAAGAAGTCCATGCTATGTGGCCAGCTTTCAACAGTGTCTTGATC-3'
Protein context (NP_000375.3, residues 2919-2939): IAWTSSGKGS[Trp2929Cys]KWACPRFSDE